The following is an entry in ClinVar:

NM_001291303.3(FAT4):c.5246T>C (p.Val1749Ala)

Gene: FAT4 (FAT atypical cadherin 4; plus strand). Cytogenetic location: 4q28.1.
Variant type: single nucleotide variant.
Coding change: c.5246T>C on transcript NM_001291303.3 (MANE Select); coding-DNA position 5246, T replaced by C.
Protein change: p.Val1749Ala; replaces valine 1749 with alanine.
Molecular consequence: missense variant.
Genome position (GRCh38, 1-based): chr4:125,398,854, T>C. VCF-style: chr4-125398854-T-C. GRCh37 (hg19) VCF-style: chr4-126320009-T-C.
Other names: c.5246T>C, p.Val1749Ala (NM_001291285.3, NM_024582.6); short protein forms V1749A.
Identifiers: ClinVar variation 1002065 (VCV001002065.5), dbSNP rs1734278499, ClinGen allele CA358119106.

ClinVar aggregate classification (germline): Uncertain significance (1 of 4 stars; one submission).

Submission:

Labcorp Genetics (formerly Invitae), Labcorp
Classification: Uncertain significance. Last evaluated: 2024-02-23. Review status: criteria provided, single submitter. Criteria: Invitae Variant Classification Sherloc (09022015). Collection method: clinical testing. Allele origin: germline.
Comment: This sequence change replaces valine, which is neutral and non-polar, with alanine, which is neutral and non-polar, at codon 1749 of the FAT4 protein (p.Val1749Ala). This variant is not present in population databases (gnomAD no frequency). This variant has not been reported in the literature in individuals affected with FAT4-related conditions. ClinVar contains an entry for this variant (Variation ID: 1002065). Advanced modeling of protein sequence and biophysical properties (such as structural, functional, and spatial information, amino acid conservation, physicochemical variation, residue mobility, and thermodynamic stability) performed at Invitae indicates that this missense variant is not expected to disrupt FAT4 protein function with a negative predictive value of 80%. In summary, the available evidence is currently insufficient to determine the role of this variant in disease. Therefore, it has been classified as a Variant of Uncertain Significance.